The following is an entry in ClinVar:

NM_000744.7(CHRNA4):c.1A>T (p.Met1Leu)

Genes: CHRNA4 (cholinergic receptor nicotinic alpha 4 subunit; minus strand), LOC100130587 (uncharacterized LOC100130587; plus strand). Cytogenetic location: 20q13.33.
Variant type: single nucleotide variant.
Coding change: c.1A>T on transcript NM_000744.7 (MANE Select); coding-DNA position 1, A replaced by T.
Protein change: p.Met1Leu; changes the start codon (methionine 1).
Molecular consequence: missense variant, initiator codon variant. On other transcripts: non-coding transcript variant (1), intron variant (1).
Genome position (GRCh38, 1-based): chr20:63,361,165, T>A on the plus strand (A>T on the coding strand, the complement: CHRNA4 is on the minus strand). VCF-style: chr20-63361165-T-A. GRCh37 (hg19) VCF-style: chr20-61992517-T-A.
Other names: c.-471+12A>T (NM_001256573.2); short protein forms M1L.
Identifiers: ClinVar variation 1363839 (VCV001363839.6), dbSNP rs1359272155, ClinGen allele CA409645106.
Genomic context (GRCh38, chr20:63,361,165, plus strand): 5'-TCCCCAGAAGCAGCAGCAGCGGCGGCAGCAGCCGCGGCGCTCCGGGGCCCCCTAGCTCCA[T>A]GGCGCACGCACCTCGCGGGCTCTAGATGCGGGCGGCTCCCGGCTCCCCGCCGCTTCGAGG-3'
Protein context (NP_000735.1, residues 1-11): [Met1Leu]ELGGPGAPRL

ClinVar aggregate classification (germline): Uncertain significance (1 of 4 stars; one submission).

Conditions:
Familial sleep-related hypermotor epilepsy. Also called: Autosomal Dominant Sleep-Related Hypermotor (Hyperkinetic) Epilepsy. Identifiers: Orphanet 98784, MedGen C3696898, MONDO:0000030.

Submission:

Labcorp Genetics (formerly Invitae), Labcorp
Classification: Uncertain significance. Last evaluated: 2023-08-17. Review status: criteria provided, single submitter. Criteria: Invitae Variant Classification Sherloc (09022015). Collection method: clinical testing. Allele origin: germline.
Comment: This sequence change affects the initiator methionine of the CHRNA4 mRNA. The next in-frame methionine is located at codon 82. This variant is not present in population databases (gnomAD no frequency). In summary, the available evidence is currently insufficient to determine the role of this variant in disease. Therefore, it has been classified as a Variant of Uncertain Significance. Experimental studies and prediction algorithms are not available or were not evaluated, and the functional significance of this variant is currently unknown. ClinVar contains an entry for this variant (Variation ID: 1363839). This variant has not been reported in the literature in individuals affected with CHRNA4-related conditions.